The following is an entry in ClinVar:

NM_000289.6(PFKM):c.1128-2A>G

Gene: PFKM (phosphofructokinase, muscle; plus strand). Cytogenetic location: 12q13.11.
Variant type: single nucleotide variant.
Coding change: c.1128-2A>G on transcript NM_000289.6 (MANE Select); the canonical splice acceptor site of the intron before coding-DNA position 1128, A replaced by G.
Molecular consequence: splice acceptor variant.
Genome position (GRCh38, 1-based): chr12:48,139,847, A>G. VCF-style: chr12-48139847-A-G. GRCh37 (hg19) VCF-style: chr12-48533630-A-G.
Other names: c.1152-2A>G (NM_001354741.2); c.1128-2A>G (NM_001354742.2, NM_001354743.2, NM_001354744.2 and 2 more transcripts); c.978-2A>G (NM_001354747.2, NM_001354748.2); c.1341-2A>G (NM_001166686.2, NM_001354737.1, NM_001354739.1 and 1 more transcripts); c.1437-2A>G (NM_001354736.1, NM_001354735.1); c.1272-2A>G (NM_001354740.1); c.1041-2A>G (NM_001354745.2); c.1002-2A>G (NM_001354746.2); and 1 more.
Identifiers: ClinVar variation 2864165 (VCV002864165.4), dbSNP rs111397747, ClinGen allele CA384548688.
Genomic context (GRCh38, chr12:48,139,847, plus strand): 5'-CCATGGCTGCTGGCTGTGGGGAATGGCCTGAAGACACCTCTCTCTATTTGTACTTCCTAC[A>G]GGAGCTTCATGAACAACTGGGAGGTGTACAAGCTTCTAGCTCATGTCAGACCCCCGGTAT-3'

ClinVar aggregate classification (germline): Likely pathogenic. Review status: criteria provided, multiple submitters, no conflicts (2 of 4 stars). 2 submissions from 2 submitters: Likely pathogenic (2). Last evaluated 2024-02-13.

Conditions:
Glycogen storage disease, type VII (GSD7). Also called: PFKM DEFICIENCY; TARUI DISEASE; GSD VII; MUSCLE PHOSPHOFRUCTOKINASE DEFICIENCY. Identifiers: Orphanet 371, MedGen C0017926, MONDO:0009295, OMIM 232800.

Submissions (2):

Baylor Genetics
Classification: Likely pathogenic for Glycogen storage disease, type VII. Last evaluated: 2024-02-13. Review status: criteria provided, single submitter. Criteria: ACMG Guidelines, 2015. Collection method: clinical testing. Allele origin: unknown.

Labcorp Genetics (formerly Invitae), Labcorp
Classification: Likely pathogenic for Glycogen storage disease, type VII. Last evaluated: 2023-05-13. Review status: criteria provided, single submitter. Criteria: Invitae Variant Classification Sherloc (09022015). Collection method: clinical testing. Allele origin: germline.
Comment: This sequence change affects an acceptor splice site in intron 12 of the PFKM gene. It is expected to disrupt RNA splicing. Variants that disrupt the donor or acceptor splice site typically lead to a loss of protein function (PMID: 16199547), and loss-of-function variants in PFKM are known to be pathogenic (PMID: 7825568, 8037209). In summary, the currently available evidence indicates that the variant is pathogenic, but additional data are needed to prove that conclusively. Therefore, this variant has been classified as Likely Pathogenic. Algorithms developed to predict the effect of sequence changes on RNA splicing suggest that this variant may disrupt the consensus splice site. This variant has not been reported in the literature in individuals affected with PFKM-related conditions. This variant is not present in population databases (gnomAD no frequency).

Literature cited by the submitters: PubMed 16199547 (cited by Labcorp Genetics (formerly Invitae), Labcorp); PubMed 7825568 (cited by Labcorp Genetics (formerly Invitae), Labcorp); PubMed 8037209 (cited by Labcorp Genetics (formerly Invitae), Labcorp).